The following is an entry in ClinVar:

ClinVar aggregate classification (germline): Uncertain significance (1 of 4 stars; one submission).

gnomAD v4.1: 1 of 1,614,160 alleles (0.000062%); highest among the groups gnomAD compares: Non-Finnish European, 0.000085%; no homozygotes.

Submission:

GeneDx
Classification: Uncertain significance. Last evaluated: 2025-07-26. Review status: criteria provided, single submitter. Criteria: GeneDx Variant Classification Process June 2021. Collection method: clinical testing. Allele origin: germline. Affected: yes.
Comment: Not observed at significant frequency in large population cohorts (gnomAD); In silico analysis supports a deleterious effect on splicing; Has not been previously published as pathogenic or benign to our knowledge

NM_000275.3(OCA2):c.1365-8T>A

Gene: OCA2 (OCA2 melanosomal transmembrane protein; minus strand). Cytogenetic location: 15q13.1.
Variant type: single nucleotide variant.
Coding change: c.1365-8T>A on transcript NM_000275.3 (MANE Select); 8 bases into the intron before coding-DNA position 1365, T replaced by A.
Molecular consequence: intron variant.
Genome position (GRCh38, 1-based): chr15:27,983,491, A>T on the plus strand (T>A on the coding strand, the complement: OCA2 is on the minus strand). VCF-style: chr15-27983491-A-T. GRCh37 (hg19) VCF-style: chr15-28228637-A-T.
Other names: c.1293-8T>A (NM_001300984.2).
Identifiers: ClinVar variation 4686924 (VCV004686924.1).